The following is an entry in ClinVar:

ClinVar aggregate classification (germline): Uncertain significance (1 of 4 stars; one submission).

Submission:

GeneDx
Classification: Uncertain significance. Last evaluated: 2025-07-14. Review status: criteria provided, single submitter. Criteria: GeneDx Variant Classification Process June 2021. Collection method: clinical testing. Allele origin: germline. Affected: yes.
Comment: Not observed at significant frequency in large population cohorts (gnomAD); In silico analysis supports that this missense variant has a deleterious effect on protein structure/function; Has not been previously published as pathogenic or benign to our knowledge

NM_181523.3(PIK3R1):c.1210T>G (p.Leu404Val)

Gene: PIK3R1 (phosphoinositide-3-kinase regulatory subunit 1; plus strand). Cytogenetic location: 5q13.1.
Variant type: single nucleotide variant.
Coding change: c.1210T>G on transcript NM_181523.3 (MANE Select); coding-DNA position 1210, T replaced by G.
Protein change: p.Leu404Val; replaces leucine 404 with valine.
Molecular consequence: missense variant.
Genome position (GRCh38, 1-based): chr5:68,293,394, T>G. VCF-style: chr5-68293394-T-G. GRCh37 (hg19) VCF-style: chr5-67589222-T-G.
Other names: c.121T>G, p.Leu41Val (NM_001242466.2); c.400T>G, p.Leu134Val (NM_181504.4); c.310T>G, p.Leu104Val (NM_181524.2); short protein forms L104V, L134V, L404V, L41V.
Identifiers: ClinVar variation 4686369 (VCV004686369.1).